The following is an entry in ClinVar:

ClinVar aggregate classification (germline): Likely benign. Review status: criteria provided, multiple submitters, no conflicts (2 of 4 stars). 3 submissions from 3 submitters: Likely benign (3). Last evaluated 2025-01-28.

Allele frequency attached by ClinVar (database versions not stated): gnomAD exomes 0.00001; gnomAD 0.00003; TOPMed 0.00008.
gnomAD v4.1: 21 of 1,614,034 alleles (0.0013%); highest among the groups gnomAD compares: Admixed American, 0.0083%; no homozygotes.

Submissions (3):

Labcorp Genetics (formerly Invitae), Labcorp
Classification: Likely benign. Last evaluated: 2025-01-28. Review status: criteria provided, single submitter. Criteria: Invitae Variant Classification Sherloc (09022015). Collection method: clinical testing. Allele origin: germline.

Blueprint Genetics
Classification: Likely benign. Last evaluated: 2024-10-22. Review status: criteria provided, single submitter. Criteria: ACMG Guidelines, 2015. Collection method: clinical testing. Allele origin: germline.

CeGaT Center for Human Genetics Tuebingen
Classification: Likely benign. Last evaluated: 2024-03-01. Review status: criteria provided, single submitter. Criteria: CeGaT Center For Human Genetics Tuebingen Variant Classification Criteria Version 2. Collection method: clinical testing. Allele origin: germline. Affected: yes. Observed: 1 variant allele.
Comment: ACVR1: BP4, BS2

NM_001111067.4(ACVR1):c.198C>T (p.Tyr66=)

Gene: ACVR1 (activin A receptor type 1; minus strand). Cytogenetic location: 2q24.1.
Variant type: single nucleotide variant.
Coding change: c.198C>T on transcript NM_001111067.4 (MANE Select); coding-DNA position 198, C replaced by T.
Protein change: p.Tyr66=; no amino-acid change (tyrosine 66 retained).
Molecular consequence: synonymous variant.
Genome position (GRCh38, 1-based): chr2:157,780,470, G>A on the plus strand (C>T on the coding strand, the complement: ACVR1 is on the minus strand). VCF-style: chr2-157780470-G-A. GRCh37 (hg19) VCF-style: chr2-158636982-G-A.
Other names: c.198C>T, p.Tyr66= (NM_001105.5, NM_001347663.1, NM_001347664.1 and 3 more transcripts).
Identifiers: ClinVar variation 2187964 (VCV002187964.26), dbSNP rs1406238835, ClinGen allele CA429729659.
Genomic context (GRCh38, chr2:157,780,470, plus strand): 5'-GGACGGCGGGGTCTTACAGGTCATCTTTCCCTGCTCATAAACCTGGAAGCAGCCTTTCTG[G>A]TAGACGTGGAAGCCATCGTTGATGCTCAGTGAGGAAAAGCACTGCTGGCCTTCACAGTGG-3'
Protein context (NP_001104537.1, residues 56-76): SLSINDGFHV[Tyr66=]QKGCFQVYEQ